The following is an entry in ClinVar:

NM_024529.5(CDC73):c.1339G>A (p.Val447Met)

Gene: CDC73 (cell division cycle 73; plus strand). Cytogenetic location: 1q31.2.
Variant type: single nucleotide variant.
Coding change: c.1339G>A on transcript NM_024529.5 (MANE Select); coding-DNA position 1339, G replaced by A.
Protein change: p.Val447Met; replaces valine 447 with methionine.
Molecular consequence: missense variant.
Genome position (GRCh38, 1-based): chr1:193,236,278, G>A. VCF-style: chr1-193236278-G-A. GRCh37 (hg19) VCF-style: chr1-193205408-G-A.
Other names: short protein forms V447M.
Identifiers: ClinVar variation 1770303 (VCV001770303.5), dbSNP rs1677756699, ClinGen allele CA344078135.

ClinVar aggregate classification (germline): Uncertain significance. Review status: criteria provided, multiple submitters, no conflicts (2 of 4 stars). 2 submissions from 2 submitters: Uncertain significance (2). Last evaluated 2025-12-01.

Conditions:
Hereditary cancer-predisposing syndrome. Also called: Hereditary Cancer Syndrome; Hereditary neoplastic syndrome; Neoplastic Syndromes, Hereditary; Tumor predisposition. Identifiers: Orphanet 140162, MedGen C0027672, MeSH D009386, MONDO:0015356.
Parathyroid carcinoma (PRTC). Also called: CDC73-Related Parathyroid Carcinoma; Parathyroid gland carcinoma. Identifiers: Orphanet 143, MedGen C0687150, MONDO:0012004, OMIM 608266, HP:0006780.

Submissions (2):

Labcorp Genetics (formerly Invitae), Labcorp
Classification: Uncertain significance for Parathyroid carcinoma. Last evaluated: 2025-12-01. Review status: criteria provided, single submitter. Criteria: Invitae Variant Classification Sherloc (09022015). Collection method: clinical testing. Allele origin: germline.
Comment: This sequence change replaces valine, which is neutral and non-polar, with methionine, which is neutral and non-polar, at codon 447 of the CDC73 protein (p.Val447Met). This variant is not present in population databases (gnomAD no frequency). This variant has not been reported in the literature in individuals affected with CDC73-related conditions. ClinVar contains an entry for this variant (Variation ID: 1770303). Invitae Evidence Modeling of protein sequence and biophysical properties (such as structural, functional, and spatial information, amino acid conservation, physicochemical variation, residue mobility, and thermodynamic stability) indicates that this missense variant is expected to disrupt CDC73 protein function with a positive predictive value of 80%. In summary, the available evidence is currently insufficient to determine the role of this variant in disease. Therefore, it has been classified as a Variant of Uncertain Significance.

Ambry Genetics
Classification: Uncertain significance for Hereditary cancer-predisposing syndrome. Last evaluated: 2022-02-05. Review status: criteria provided, single submitter. Criteria: Ambry Variant Classification Scheme 2023. Collection method: clinical testing. Allele origin: germline.
Comment: The p.V447M variant (also known as c.1339G>A), located in coding exon 15 of the CDC73 gene, results from a G to A substitution at nucleotide position 1339. The valine at codon 447 is replaced by methionine, an amino acid with highly similar properties. This amino acid position is conserved. In addition, this alteration is predicted to be deleterious by in silico analysis. Since supporting evidence is limited at this time, the clinical significance of this alteration remains unclear.